The following is an entry in ClinVar:

ClinVar aggregate classification (germline): Uncertain significance. Review status: criteria provided, multiple submitters, no conflicts (2 of 4 stars). 2 submissions from 2 submitters: Uncertain significance (2). Last evaluated 2026-09-03.

Conditions:
Hereditary cancer-predisposing syndrome. Also called: Neoplastic Syndromes, Hereditary; Hereditary Cancer Syndrome; Hereditary neoplastic syndrome; Tumor predisposition. Identifiers: Orphanet 140162, MedGen C0027672, MeSH D009386, MONDO:0015356.
Gastrointestinal stromal tumor. Also called: Gastrointestinal stromal tumor, somatic; Gastrointestinal stroma tumor. Identifiers: Orphanet 44890, MedGen C0238198, MeSH D046152, MONDO:0011719, OMIM 606764, HP:0100723.

Submissions (2):

Ambry Genetics
Classification: Uncertain significance for Hereditary cancer-predisposing syndrome. Last evaluated: 2026-09-03. Review status: criteria provided, single submitter. Criteria: Ambry Variant Classification Scheme 2023. Collection method: clinical testing. Allele origin: germline.
Comment: The p.K725N variant (also known as c.2175A>C), located in coding exon 15 of the KIT gene, results from an A to C substitution at nucleotide position 2175. The lysine at codon 725 is replaced by asparagine, an amino acid with similar properties. This amino acid position is highly conserved in available vertebrate species. In addition, this alteration is predicted to be tolerated by in silico analysis. Based on the available evidence, the clinical significance of this variant remains unclear.

Labcorp Genetics (formerly Invitae), Labcorp
Classification: Uncertain significance for Gastrointestinal stromal tumor. Last evaluated: 2025-09-03. Review status: criteria provided, single submitter. Criteria: Invitae Variant Classification Sherloc (09022015). Collection method: clinical testing. Allele origin: germline.
Comment: This sequence change replaces lysine, which is basic and polar, with asparagine, which is neutral and polar, at codon 725 of the KIT protein (p.Lys725Asn). This variant is not present in population databases (gnomAD no frequency). This variant has not been reported in the literature in individuals affected with KIT-related conditions. ClinVar contains an entry for this variant (Variation ID: 665152). An algorithm developed to predict the effect of missense changes on protein structure and function (PolyPhen-2) suggests that this variant is likely to be disruptive. In summary, the available evidence is currently insufficient to determine the role of this variant in disease. Therefore, it has been classified as a Variant of Uncertain Significance.

NM_000222.3(KIT):c.2175A>C (p.Lys725Asn)

Gene: KIT (KIT proto-oncogene, receptor tyrosine kinase; plus strand). Cytogenetic location: 4q12.
Variant type: single nucleotide variant.
Coding change: c.2175A>C on transcript NM_000222.3 (MANE Select); coding-DNA position 2175, A replaced by C.
Protein change: p.Lys725Asn; replaces lysine 725 with asparagine.
Molecular consequence: missense variant.
Genome position (GRCh38, 1-based): chr4:54,731,361, A>C. VCF-style: chr4-54731361-A-C. GRCh37 (hg19) VCF-style: chr4-55597527-A-C.
Other names: c.2163A>C, p.Lys721Asn (NM_001093772.2, NM_001385292.1); c.2178A>C, p.Lys726Asn (NM_001385284.1); c.2172A>C, p.Lys724Asn (NM_001385285.1); c.2160A>C, p.Lys720Asn (NM_001385286.1); c.2166A>C, p.Lys722Asn (NM_001385288.1); c.2175A>C, p.Lys725Asn (NM_001385290.1); short protein forms K725N, K721N, K720N, K722N, K724N, K726N.
Identifiers: ClinVar variation 665152 (VCV000665152.10), dbSNP rs1578000466, ClinGen allele CA356910227.